The following is an entry in ClinVar:

ClinVar aggregate classification (germline): Uncertain significance (1 of 4 stars; one submission).

Conditions:
Nephronophthisis. Also called: Juvenile Nephronophthisis. Identifiers: Orphanet 655, MedGen C0687120, MONDO:0019005, HP:0000090.

Allele frequency attached by ClinVar (database versions not stated): gnomAD exomes below 0.00001; TOPMed below 0.00001; gnomAD 0.00001.
gnomAD v4.1: 4 of 1,611,862 alleles (0.00025%); highest among the groups gnomAD compares: Non-Finnish European, 0.00034%; no homozygotes.

Submission:

Labcorp Genetics (formerly Invitae), Labcorp
Classification: Uncertain significance for Nephronophthisis. Last evaluated: 2021-11-03. Review status: criteria provided, single submitter. Criteria: Invitae Variant Classification Sherloc (09022015). Collection method: clinical testing. Allele origin: germline.
Comment: This variant is present in population databases (rs757063331, gnomAD 0.0009%). This sequence change replaces leucine, which is neutral and non-polar, with valine, which is neutral and non-polar, at codon 339 of the NPHP1 protein (p.Leu339Val). This variant has not been reported in the literature in individuals affected with NPHP1-related conditions. Algorithms developed to predict the effect of missense changes on protein structure and function are either unavailable or do not agree on the potential impact of this missense change (SIFT: "Tolerated"; PolyPhen-2: "Probably Damaging"; Align-GVGD: "Class C0"). Algorithms developed to predict the effect of sequence changes on RNA splicing suggest that this variant may create or strengthen a splice site. In summary, the available evidence is currently insufficient to determine the role of this variant in disease. Therefore, it has been classified as a Variant of Uncertain Significance.

NM_001128178.3(NPHP1):c.847C>G (p.Leu283Val)

Gene: NPHP1 (nephrocystin 1; minus strand). Cytogenetic location: 2q13.
Variant type: single nucleotide variant.
Coding change: c.847C>G on transcript NM_001128178.3 (MANE Select); coding-DNA position 847, C replaced by G.
Protein change: p.Leu283Val; replaces leucine 283 with valine.
Molecular consequence: missense variant.
Genome position (GRCh38, 1-based): chr2:110,163,060, G>C on the plus strand (C>G on the coding strand, the complement: NPHP1 is on the minus strand). VCF-style: chr2-110163060-G-C. GRCh37 (hg19) VCF-style: chr2-110920637-G-C.
Other names: c.1015C>G, p.Leu339Val (NM_000272.5); c.658C>G, p.Leu220Val (NM_001128179.3); c.844C>G, p.Leu282Val (NM_001374256.1); c.847C>G, p.Leu283Val (NM_001374257.1); c.1012C>G, p.Leu338Val (NM_207181.4); short protein forms L282V, L339V, L220V, L283V, L338V.
Identifiers: ClinVar variation 1380905 (VCV001380905.6), dbSNP rs757063331, ClinGen allele CA53513557.